The following is an entry in ClinVar:

NM_145200.5(CABP4):c.*2186C>T

Gene: CABP4 (calcium binding protein 4; plus strand). Cytogenetic location: 11q13.2.
Variant type: single nucleotide variant.
Coding change: c.*2186C>T on transcript NM_145200.5 (MANE Select); 2186 bases downstream of the stop codon, C replaced by T.
Molecular consequence: 3 prime UTR variant. On other transcripts: non-coding transcript variant (1).
Genome position (GRCh38, 1-based): chr11:67,460,845, C>T. VCF-style: chr11-67460845-C-T. GRCh37 (hg19) VCF-style: chr11-67228316-C-T.
Other names: c.*2186C>T (NM_001300895.3, NM_001300896.3, NM_001379183.1).
Identifiers: ClinVar variation 877200 (VCV000877200.4), dbSNP rs191420904, ClinGen allele CA224146618.
Genomic context (GRCh38, chr11:67,460,845, plus strand): 5'-ATCCTGGCTAACACAGTGAAACCCCATCTCTACTAAAAATACAAAAAAAAATTAGCTGGG[C>T]GTGGTGGCGGGCGCCTGTAGTCCCAGCTACTAGGGAGGCTGAGGCAAGAGAATGGCGTGA-3'

ClinVar aggregate classification (germline): Likely benign (1 of 4 stars; one submission).

Conditions:
Cone-rod synaptic disorder, congenital nonprogressive. Also called: NIGHT BLINDNESS, CONGENITAL STATIONARY, INCOMPLETE, AUTOSOMAL RECESSIVE. Identifiers: Orphanet 215, MedGen C4041558, MONDO:0012490, OMIM 610427.

Allele frequency attached by ClinVar (database versions not stated): gnomAD 0.00039 and 0.00054; TOPMed 0.00058; 1000 Genomes Project 0.00080; 1000 Genomes Project 30x 0.00109.
gnomAD v4.1: 81 of 151,906 alleles (0.053%); highest among the groups gnomAD compares: East Asian, 0.62%; no homozygotes.

Submission:

Illumina Laboratory Services, Illumina
Classification: Likely benign for Cone-rod synaptic disorder, congenital nonprogressive. Last evaluated: 2018-01-12. Review status: criteria provided, single submitter. Criteria: ICSL Variant Classification Criteria 13 December 2019. Collection method: clinical testing. Allele origin: germline.
Comment: This variant was observed in the ICSL laboratory as part of a predisposition screen in an ostensibly healthy population. It had not been previously curated by ICSL or reported in the Human Gene Mutation Database (HGMD: prior to June 1st, 2018), and was therefore a candidate for classification through an automated scoring system. Utilizing variant allele frequency, disease prevalence and penetrance estimates, and inheritance mode, an automated score was calculated to assess if this variant is too frequent to cause the disease. Based on the score and internal cut-off values, a variant classified as likely benign is not then subjected to further curation. The score for this variant resulted in a classification of likely benign for this disease.